The following is an entry in ClinVar:

NM_002336.3(LRP6):c.1317C>G (p.Ile439Met)

Gene: LRP6 (LDL receptor related protein 6; minus strand). Cytogenetic location: 12p13.2.
Variant type: single nucleotide variant.
Coding change: c.1317C>G on transcript NM_002336.3 (MANE Select); coding-DNA position 1317, C replaced by G.
Protein change: p.Ile439Met; replaces isoleucine 439 with methionine.
Molecular consequence: missense variant.
Genome position (GRCh38, 1-based): chr12:12,181,099, G>C on the plus strand (C>G on the coding strand, the complement: LRP6 is on the minus strand). VCF-style: chr12-12181099-G-C. GRCh37 (hg19) VCF-style: chr12-12334033-G-C.
Other names: short protein forms I439M.
Identifiers: ClinVar variation 1493597 (VCV001493597.8), dbSNP rs201529593, ClinGen allele CA6455698.

ClinVar aggregate classification (germline): Uncertain significance (1 of 4 stars; one submission).

Allele frequency attached by ClinVar (database versions not stated): ExAC 0.00007; gnomAD 0.00008; TOPMed 0.00010.
gnomAD v4.1: 105 of 1,613,942 alleles (0.0065%); highest among the groups gnomAD compares: Non-Finnish European, 0.0019%; no homozygotes.

Submission:

Labcorp Genetics (formerly Invitae), Labcorp
Classification: Uncertain significance. Last evaluated: 2025-11-28. Review status: criteria provided, single submitter. Criteria: Invitae Variant Classification Sherloc (09022015). Collection method: clinical testing. Allele origin: germline.
Comment: This sequence change replaces isoleucine, which is neutral and non-polar, with methionine, which is neutral and non-polar, at codon 439 of the LRP6 protein (p.Ile439Met). The frequency data for this variant in the population databases is considered unreliable, as metrics indicate poor data quality at this position in the gnomAD database. This variant has not been reported in the literature in individuals affected with LRP6-related conditions. ClinVar contains an entry for this variant (Variation ID: 1493597). Invitae Evidence Modeling of protein sequence and biophysical properties (such as structural, functional, and spatial information, amino acid conservation, physicochemical variation, residue mobility, and thermodynamic stability) indicates that this missense variant is not expected to disrupt LRP6 protein function with a negative predictive value of 80%. In summary, the available evidence is currently insufficient to determine the role of this variant in disease. Therefore, it has been classified as a Variant of Uncertain Significance.